The following is an entry in ClinVar:

ClinVar aggregate classification (germline): Uncertain significance (1 of 4 stars; one submission).

gnomAD v4.1: 8 of 1,614,050 alleles (0.0005%); highest among the groups gnomAD compares: African/African-American, 0.011%; no homozygotes.

Submission:

Mayo Clinic Laboratories, Mayo Clinic
Classification: Uncertain significance. Last evaluated: 2025-07-24. Review status: criteria provided, single submitter. Criteria: ACMG Guidelines, 2015. Collection method: clinical testing. Allele origin: germline. Observed: 1 variant allele.
Comment: PP3, PM2_supporting

NM_018294.6(CWF19L1):c.1067G>C (p.Gly356Ala)

Gene: CWF19L1 (CWF19 like cell cycle control factor 1; minus strand). Cytogenetic location: 10q24.31.
Variant type: single nucleotide variant.
Coding change: c.1067G>C on transcript NM_018294.6 (MANE Select); coding-DNA position 1067, G replaced by C.
Protein change: p.Gly356Ala; replaces glycine 356 with alanine.
Molecular consequence: missense variant.
Genome position (GRCh38, 1-based): chr10:100,238,209, C>G on the plus strand (G>C on the coding strand, the complement: CWF19L1 is on the minus strand). VCF-style: chr10-100238209-C-G. GRCh37 (hg19) VCF-style: chr10-101997966-C-G.
Other names: p.Gly356Ala; c.1067G>C, p.Gly356Ala (NM_001303404.2); c.656G>C, p.Gly219Ala (NM_001303405.2, NM_001303406.2); c.332G>C, p.Gly111Ala (NM_001303407.2); short protein forms G111A, G356A, G219A.
Identifiers: ClinVar variation 4541571 (VCV004541571.1).